The following is an entry in ClinVar:

ClinVar aggregate classification (germline): Benign/Likely benign. Review status: criteria provided, multiple submitters, no conflicts (2 of 4 stars). 4 submissions from 4 submitters: Benign (1); Likely benign (3). Last evaluated 2026-06-24.

Conditions:
Hereditary cancer-predisposing syndrome. Also called: Neoplastic Syndromes, Hereditary; Tumor predisposition; Hereditary Cancer Syndrome; Hereditary neoplastic syndrome. Identifiers: Orphanet 140162, MedGen C0027672, MeSH D009386, MONDO:0015356.
Retinoblastoma (RB1). Also called: RETINOBLASTOMA, SOMATIC. Identifiers: Orphanet 790, MedGen C0035335, MeSH D012175, MONDO:0008380, OMIM 180200, HP:0009919. Disease mechanism: loss of function. Inheritance: Both sporadic and heritable forms are tested..

Submissions (4):

Myriad Genetics, Inc.
Classification: Benign for Retinoblastoma. Last evaluated: 2026-06-24. Review status: criteria provided, single submitter. Criteria: Myriad Autosomal Dominant, Autosomal Recessive and X-Linked Classification Criteria (2023). Collection method: clinical testing. Allele origin: unknown.
Comment: This variant is considered benign. This variant is a silent/synonymous amino acid change and it is not expected to impact splicing.

Ambry Genetics
Classification: Likely benign for Hereditary cancer-predisposing syndrome. Last evaluated: 2024-08-24. Review status: criteria provided, single submitter. Criteria: Ambry Variant Classification Scheme 2023. Collection method: clinical testing. Allele origin: germline.

All of Us Research Program, National Institutes of Health
Classification: Likely benign for Retinoblastoma. Last evaluated: 2024-07-20. Review status: criteria provided, single submitter. Criteria: ACMG Guidelines, 2015. Collection method: clinical testing. Allele origin: germline. Inheritance: Autosomal dominant inheritance. Observed: 1 variant allele, 1 heterozygote.
Comment: This study involves interpretation of variants in research participants for the purpose of population health screening. Participant phenotype was not available at the time of variant classification. Additional details can be found in publication PMID: 35346344, PMCID: PMC8962531

Labcorp Genetics (formerly Invitae), Labcorp
Classification: Likely benign for Retinoblastoma. Last evaluated: 2024-01-24. Review status: criteria provided, single submitter. Criteria: Invitae Variant Classification Sherloc (09022015). Collection method: clinical testing. Allele origin: germline.

NM_000321.3(RB1):c.1812T>C (p.Asp604=)

Gene: RB1 (RB transcriptional corepressor 1; plus strand). Cytogenetic location: 13q14.2.
Variant type: single nucleotide variant.
Coding change: c.1812T>C on transcript NM_000321.3 (MANE Select); coding-DNA position 1812, T replaced by C.
Protein change: p.Asp604=; no amino-acid change (aspartic acid 604 retained).
Molecular consequence: synonymous variant.
Genome position (GRCh38, 1-based): chr13:48,453,109, T>C. VCF-style: chr13-48453109-T-C. GRCh37 (hg19) VCF-style: chr13-49027245-T-C.
Other names: c.1812T>C (NM_000321.2).
Identifiers: ClinVar variation 1583027 (VCV001583027.11), dbSNP rs2138327432, ClinGen allele CA483558254.